The following is an entry in ClinVar:

ClinVar aggregate classification (germline): Uncertain significance (1 of 4 stars; one submission).

Submission:

Dasa
Classification: Uncertain significance. Last evaluated: 2026-06-11. Review status: criteria provided, single submitter. Criteria: DASA Assertion Criteria. Collection method: clinical testing. Allele origin: germline.
Comment: NM_006218.4(PIK3CA):c.1225G>T (p.Val409Phe) is a missense variant that results in the substitution of valine with phenylalanine. This variant is rare in population databases. Computational prediction algorithms are consistent with a deleterious effect. The currently available literature and clinical evidence are not sufficient to establish a definitive association between this variant and the reported condition. Therefore, this variant is classified as a variant of uncertain significance.

NM_006218.4(PIK3CA):c.1225G>T (p.Val409Phe)

Gene: PIK3CA (phosphatidylinositol-4,5-bisphosphate 3-kinase catalytic subunit alpha; plus strand). Cytogenetic location: 3q26.32.
Variant type: single nucleotide variant.
Coding change: c.1225G>T on transcript NM_006218.4 (MANE Select); coding-DNA position 1225, G replaced by T.
Protein change: p.Val409Phe; replaces valine 409 with phenylalanine.
Molecular consequence: missense variant.
Genome position (GRCh38, 1-based): chr3:179,209,674, G>T. VCF-style: chr3-179209674-G-T. GRCh37 (hg19) VCF-style: chr3-178927462-G-T.
Other names: short protein forms V409F.
Identifiers: ClinVar variation 5020394 (VCV005020394.1).